The following is an entry in ClinVar:

NM_000377.3(WAS):c.803G>A (p.Arg268Gln)

Gene: WAS (WASP actin nucleation promoting factor; plus strand). Cytogenetic location: Xp11.23.
Variant type: single nucleotide variant.
Coding change: c.803G>A on transcript NM_000377.3 (MANE Select); coding-DNA position 803, G replaced by A.
Protein change: p.Arg268Gln; replaces arginine 268 with glutamine.
Molecular consequence: missense variant.
Genome position (GRCh38, 1-based): chrX:48,688,325, G>A. VCF-style: chrX-48688325-G-A. GRCh37 (hg19) VCF-style: chrX-48546714-G-A.
Other names: short protein forms R268Q.
Identifiers: ClinVar variation 1461223 (VCV001461223.10), dbSNP rs376560886, ClinGen allele CA10403992.
Genomic context (GRCh38, chrX:48,688,325, plus strand): 5'-CTACTCCTGCCCCTGGCCTTTTTCCTCCTGGGCAGGTGAACAACCTCGACCCAGATCTGC[G>A]GAGTCTGTTCTCCAGGGCAGGAATCAGCGAGGCCCAGCTCACCGACGCCGAGACCTCTAA-3'
Protein context (NP_000368.1, residues 258-278): FDVNNLDPDL[Arg268Gln]SLFSRAGISE

ClinVar aggregate classification (germline): Conflicting classifications of pathogenicity. Review status: criteria provided, conflicting classifications (1 of 4 stars). 3 submissions from 3 submitters: Uncertain significance (2); Likely benign (1). Last evaluated 2025-06-09.

Conditions:
X-linked severe congenital neutropenia (SCNX). Identifiers: Orphanet 86788, MedGen C1845987, MONDO:0010294, OMIM 300299.
Thrombocytopenia 1. Also called: THROMBOCYTOPENIA, X-LINKED, 1; X-linked thrombocytopenia with normal platelets; X-Linked Thrombocytopenia (XLT). Identifiers: Orphanet 268322, Orphanet 852, MedGen C1839163, MONDO:0010743, OMIM 313900.
Wiskott-Aldrich syndrome (WAS). Also called: Wiskott-aldrich syndrome, somatic; ALDRICH SYNDROME; IMMUNODEFICIENCY 2; WISKOTT-ALDRICH SYNDROME 1. Identifiers: Orphanet 906, MedGen C0043194, MONDO:0010518, OMIM 301000.

Allele frequency attached by ClinVar (database versions not stated): gnomAD exomes 0.00002 and 0.00006; ExAC 0.00006; gnomAD 0.00007 and 0.00009; ESP Exome Variant Server 0.00009; TOPMed 0.00010; 1000 Genomes Project 30x 0.00021; 1000 Genomes Project 0.00026.
gnomAD v4.1: 75 of 1,206,053 alleles (0.0062%); highest among the groups gnomAD compares: African/African-American, 0.018%; no homozygotes.

Submissions (3):

Women's Health and Genetics/Laboratory Corporation of America, LabCorp
Classification: Uncertain significance. Last evaluated: 2025-06-09. Review status: criteria provided, single submitter. Criteria: LabCorp Variant Classification Summary - May 2015. Collection method: clinical testing. Allele origin: germline.
Comment: Variant summary: WAS c.803G>A (p.Arg268Gln) results in a conservative amino acid change in the encoded protein sequence. Algorithms developed to predict the effect of missense changes on protein structure and function all suggest that this variant is likely to be tolerated. The variant allele was found at a frequency of 2.3e-05 in 170899 control chromosomes in the gnomAD database, including one hemizygote. The available data on variant occurrences in the general population are insufficient to allow any conclusion about variant significance. To our knowledge, no occurrence of c.803G>A in individuals affected with Wiskott-Aldrich Syndrome and no experimental evidence demonstrating its impact on protein function have been reported. ClinVar contains an entry for this variant (Variation ID: 1461223). Based on the evidence outlined above, the variant was classified as uncertain significance.

Labcorp Genetics (formerly Invitae), Labcorp
Classification: Likely benign for Wiskott-Aldrich syndrome; X-linked severe congenital neutropenia; Thrombocytopenia 1. Last evaluated: 2024-04-05. Review status: criteria provided, single submitter. Criteria: Invitae Variant Classification Sherloc (09022015). Collection method: clinical testing. Allele origin: germline.

Fulgent Genetics
Classification: Uncertain significance for X-linked severe congenital neutropenia; Wiskott-Aldrich syndrome; Thrombocytopenia 1. Last evaluated: 2022-02-01. Review status: criteria provided, single submitter. Criteria: ACMG Guidelines, 2015. Collection method: clinical testing. Allele origin: unknown.